The following is an entry in ClinVar:

ClinVar aggregate classification (germline): Benign (1 of 4 stars; one submission).

Conditions:
Familial adenomatous polyposis 1 (FAP1). Also called: POLYPOSIS, ADENOMATOUS INTESTINAL; FAMILIAL ADENOMATOUS POLYPOSIS 1, ATTENUATED. Identifiers: MedGen C2713442, MONDO:0021056, OMIM 175100. Disease mechanism: loss of function.

Submission:

Myriad Genetics, Inc.
Classification: Benign for Familial adenomatous polyposis 1. Last evaluated: 2024-03-08. Review status: criteria provided, single submitter. Criteria: Myriad Autosomal Dominant, Autosomal Recessive and X-Linked Classification Criteria (2023). Collection method: clinical testing. Allele origin: unknown.
Comment: This variant is considered benign. This variant is a silent/synonymous amino acid change and it is not expected to impact splicing.

NM_000038.6(APC):c.1977C>T (p.Asn659=)

Gene: APC (APC regulator of Wnt signaling pathway; plus strand). Cytogenetic location: 5q22.2.
Variant type: single nucleotide variant.
Coding change: c.1977C>T on transcript NM_000038.6 (MANE Select); coding-DNA position 1977, C replaced by T.
Protein change: p.Asn659=; no amino-acid change (asparagine 659 retained).
Molecular consequence: synonymous variant. On other transcripts: non-coding transcript variant (2).
Genome position (GRCh38, 1-based): chr5:112,837,571, C>T. VCF-style: chr5-112837571-C-T. GRCh37 (hg19) VCF-style: chr5-112173268-C-T.
Other names: c.1977C>T, p.Asn659= (NM_001127510.3, NM_001354895.2, NM_001407450.1); c.1923C>T, p.Asn641= (NM_001127511.3); c.2031C>T, p.Asn677= (NM_001354896.2, NM_001407447.1, NM_001407448.1 and 1 more transcripts); c.2007C>T, p.Asn669= (NM_001354897.2); c.1902C>T, p.Asn634= (NM_001354898.2); c.1893C>T, p.Asn631= (NM_001354899.2); c.1854C>T, p.Asn618= (NM_001354900.2); c.1800C>T, p.Asn600= (NM_001354901.2, NM_001407453.1); and 11 more.
Identifiers: ClinVar variation 3148219 (VCV003148219.1), dbSNP rs1561574172, ClinGen allele CA445963280.
Genomic context (GRCh38, chr5:112,837,571, plus strand): 5'-ACATTGTGACCTTAATTTTGTGATCTCTTGATTTTATTTCAGGCAAATCCTAAGAGAGAA[C>T]AACTGTCTACAAACTTTATTACAACACTTAAAATCTCATAGTTTGACAATAGTCAGTAAT-3'
Protein context (NP_000029.2, residues 649-669): NEDHRQILRE[Asn659=]NCLQTLLQHL